The following is an entry in ClinVar:

NM_173483.4(CYP4F22):c.1419-1G>A

Gene: CYP4F22 (cytochrome P450 family 4 subfamily F member 22; plus strand). Cytogenetic location: 19p13.12.
Variant type: single nucleotide variant.
Coding change: c.1419-1G>A on transcript NM_173483.4 (MANE Select); the canonical splice acceptor site of the intron before coding-DNA position 1419, G replaced by A.
Molecular consequence: splice acceptor variant.
Genome position (GRCh38, 1-based): chr19:15,551,293, G>A. VCF-style: chr19-15551293-G-A. GRCh37 (hg19) VCF-style: chr19-15662104-G-A.
Identifiers: ClinVar variation 426495 (VCV000426495.4), dbSNP rs1085307654, ClinGen allele CA404543944.

ClinVar aggregate classification (germline): Likely pathogenic (1 of 4 stars; one submission).

Allele frequency attached by ClinVar (database versions not stated): gnomAD 0.00002 and 0.00003; TOPMed 0.00003.
gnomAD v4.1: 8 of 1,611,602 alleles (0.0005%); highest among the groups gnomAD compares: Admixed American, 0.005%; no homozygotes.

Submission:

GeneDx
Classification: Likely pathogenic. Last evaluated: 2025-09-24. Review status: criteria provided, single submitter. Criteria: GeneDx Variant Classification Process June 2021. Collection method: clinical testing. Allele origin: germline. Affected: yes.
Comment: Canonical splice site variant predicted to result in an in-frame loss of the adjacent exon in a gene for which loss of function is a known mechanism of disease; Not observed at significant frequency in large population cohorts (gnomAD); Has not been previously published as pathogenic or benign to our knowledge